The following is an entry in ClinVar:

NM_001134673.4(NFIA):c.1462A>G (p.Ser488Gly)

Gene: NFIA (nuclear factor I A; plus strand). Cytogenetic location: 1p31.3.
Variant type: single nucleotide variant.
Coding change: c.1462A>G on transcript NM_001134673.4 (MANE Select); coding-DNA position 1462, A replaced by G.
Protein change: p.Ser488Gly; replaces serine 488 with glycine.
Molecular consequence: missense variant. On other transcripts: intron variant (1).
Genome position (GRCh38, 1-based): chr1:61,426,506, A>G. VCF-style: chr1-61426506-A-G. GRCh37 (hg19) VCF-style: chr1-61892178-A-G.
Other names: c.1438A>G, p.Ser480Gly (NM_001145511.2); c.1597A>G, p.Ser533Gly (NM_001145512.2); c.1420+19779A>G (NM_005595.5); short protein forms S480G, S488G, S533G.
Identifiers: ClinVar variation 5039476 (VCV005039476.1).

ClinVar aggregate classification (germline): Likely benign (1 of 4 stars; one submission).

gnomAD v4.1: 8 of 1,551,922 alleles (0.00052%); highest among the groups gnomAD compares: South Asian, 0.0012%; no homozygotes.

Submission:

CeGaT Center for Human Genetics Tuebingen
Classification: Likely benign. Last evaluated: 2026-08-01. Review status: criteria provided, single submitter. Criteria: CeGaT Center For Human Genetics Tuebingen Variant Classification Criteria Version 2. Collection method: clinical testing. Allele origin: germline. Affected: yes. Observed: 1 variant allele.
Comment: NFIA: PP2, BS1